The following is an entry in ClinVar:

NM_004174.4(SLC9A3):c.1724G>A (p.Arg575Gln)

Genes: SLC9A3 (solute carrier family 9 member A3), SLC9A3-AS1 (SLC9A3 antisense RNA 1; plus strand). Cytogenetic location: 5p15.33.
Variant type: single nucleotide variant.
Coding change: c.1724G>A on transcript NM_004174.4 (MANE Select); coding-DNA position 1724, G replaced by A.
Protein change: p.Arg575Gln; replaces arginine 575 with glutamine.
Molecular consequence: missense variant.
Genome position (GRCh38, 1-based): chr5:477,368, C>T on the plus strand (G>A on the coding strand, the complement: SLC9A3 is on the minus strand). VCF-style: chr5-477368-C-T. GRCh37 (hg19) VCF-style: chr5-477483-C-T.
Other names: c.1697G>A, p.Arg566Gln (NM_001284351.3); short protein forms R566Q, R575Q.
Identifiers: ClinVar variation 4169278 (VCV004169278.2).

ClinVar aggregate classification (germline): Uncertain significance. Review status: criteria provided, multiple submitters, no conflicts (2 of 4 stars). 2 submissions from 2 submitters: Uncertain significance (2). Last evaluated 2025-08-03.

Conditions:
Inborn genetic diseases. Identifiers: MedGen C0950123, MeSH D030342.

gnomAD v4.1: 7 of 1,612,840 alleles (0.00043%); highest among the groups gnomAD compares: African/African-American, 0.004%; no homozygotes.

Submissions (2):

Ambry Genetics
Classification: Uncertain significance for Inborn genetic diseases. Last evaluated: 2025-08-03. Review status: criteria provided, single submitter. Criteria: Ambry Variant Classification Scheme 2023. Collection method: clinical testing. Allele origin: germline.

Labcorp Genetics (formerly Invitae), Labcorp
Classification: Uncertain significance. Last evaluated: 2025-07-09. Review status: criteria provided, single submitter. Criteria: Invitae Variant Classification Sherloc (09022015). Collection method: clinical testing. Allele origin: germline.
Comment: This sequence change replaces arginine, which is basic and polar, with glutamine, which is neutral and polar, at codon 575 of the SLC9A3 protein (p.Arg575Gln). This variant is present in population databases (rs754908120, gnomAD 0.003%). This variant has not been reported in the literature in individuals affected with SLC9A3-related conditions. An algorithm developed to predict the effect of missense changes on protein structure and function (PolyPhen-2) suggests that this variant is likely to be tolerated. In summary, the available evidence is currently insufficient to determine the role of this variant in disease. Therefore, it has been classified as a Variant of Uncertain Significance.